The following is an entry in ClinVar:

ClinVar aggregate classification (germline): Uncertain significance. Review status: criteria provided, multiple submitters, no conflicts (2 of 4 stars). 6 submissions from 5 submitters: Uncertain significance (6). Last evaluated 2024-10-23.

Conditions:
Age related macular degeneration 14. Also called: MACULAR DEGENERATION, AGE-RELATED, 14, REDUCED RISK OF. Identifiers: MedGen C3809653, MONDO:0014207, OMIM 615489.
Complement component 2 deficiency (C2D). Also called: C2 deficiency. Identifiers: MedGen C0398756, MONDO:0009006, OMIM 217000.

Allele frequency attached by ClinVar (database versions not stated): TOPMed 0.00004; gnomAD exomes 0.00007 and 0.00005; ExAC 0.00008; gnomAD 0.00005 and 0.00006; ESP Exome Variant Server 0.00008; 1000 Genomes Project 0.00040; 1000 Genomes Project 30x 0.00047.

Submissions (6):

Blueprint Genetics
Classification: Uncertain significance. Last evaluated: 2024-10-23. Review status: criteria provided, single submitter. Criteria: ACMG Guidelines, 2015. Collection method: clinical testing. Allele origin: germline.

Labcorp Genetics (formerly Invitae), Labcorp
Classification: Uncertain significance. Last evaluated: 2022-10-24. Review status: criteria provided, single submitter. Criteria: Invitae Variant Classification Sherloc (09022015). Collection method: clinical testing. Allele origin: germline.
Comment: This sequence change replaces arginine, which is basic and polar, with histidine, which is basic and polar, at codon 129 of the C2 protein (p.Arg129His). This variant is present in population databases (rs367996721, gnomAD 0.04%). This variant has not been reported in the literature in individuals affected with C2-related conditions. ClinVar contains an entry for this variant (Variation ID: 906979). Algorithms developed to predict the effect of missense changes on protein structure and function are either unavailable or do not agree on the potential impact of this missense change (SIFT: "Deleterious"; PolyPhen-2: "Probably Damaging"; Align-GVGD: "Class C0"). In summary, the available evidence is currently insufficient to determine the role of this variant in disease. Therefore, it has been classified as a Variant of Uncertain Significance.

Department of Pathology and Laboratory Medicine, Sinai Health System
Classification: Uncertain significance for complement component 2 deficiency. Last evaluated: 2022-01-01. Review status: criteria provided, single submitter. Criteria: ACMG Guidelines, 2015. Collection method: research. Allele origin: germline.

Illumina Laboratory Services, Illumina
Classification: Uncertain significance for Age related macular degeneration 14. Last evaluated: 2018-01-13. Review status: criteria provided, single submitter. Criteria: ICSL Variant Classification Criteria 13 December 2019. Collection method: clinical testing. Allele origin: germline.

Illumina Laboratory Services, Illumina
Classification: Uncertain significance for Complement component 2 deficiency. Last evaluated: 2018-01-13. Review status: criteria provided, single submitter. Criteria: ICSL Variant Classification Criteria 13 December 2019. Collection method: clinical testing. Allele origin: germline.

Breakthrough Genomics
Classification: Uncertain significance. Review status: criteria provided, single submitter. Criteria: ACMG Guidelines, 2015. Collection method: not provided. Allele origin: germline. Inheritance: Autosomal recessive inheritance. Affected: yes.

NM_000063.6(C2):c.386G>A (p.Arg129His)

Gene: C2 (complement C2; plus strand). Cytogenetic location: 6p21.33.
Variant type: single nucleotide variant.
Coding change: c.386G>A on transcript NM_000063.6 (MANE Select); coding-DNA position 386, G replaced by A.
Protein change: p.Arg129His; replaces arginine 129 with histidine.
Molecular consequence: missense variant. On other transcripts: genic upstream transcript variant (2), intron variant (1).
Genome position (GRCh38, 1-based): chr6:31,928,861, G>A. VCF-style: chr6-31928861-G-A. GRCh37 (hg19) VCF-style: chr6-31896638-G-A.
Other names: c.299G>A, p.Arg100His (NM_001282458.2); c.386G>A, p.Arg129His (NM_001282459.2); c.-63-4749G>A (NM_001282457.2); c.74-4749G>A (NM_001178063.3); c.46+1063G>A (NM_001145903.3); short protein forms R100H, R129H.
Identifiers: ClinVar variation 906979 (VCV000906979.9), dbSNP rs367996721, ClinGen allele CA3727357.